The following is an entry in ClinVar:

ClinVar aggregate classification (germline): Conflicting classifications of pathogenicity. Review status: criteria provided, conflicting classifications (1 of 4 stars). 4 submissions from 4 submitters: Uncertain significance (2); Likely benign (2). Last evaluated 2024-12-03.

Conditions:
Inborn genetic diseases. Identifiers: MedGen C0950123, MeSH D030342.

Allele frequency attached by ClinVar (database versions not stated): TOPMed 0.00012; gnomAD 0.00015 and 0.00016; gnomAD exomes 0.00018; ExAC 0.00023; ESP Exome Variant Server 0.00023.
gnomAD v4.1: 250 of 1,603,306 alleles (0.016%); highest among the groups gnomAD compares: Middle Eastern, 0.13%; no homozygotes.

Submissions (5):

Labcorp Genetics (formerly Invitae), Labcorp
Classification: Uncertain significance. Last evaluated: 2024-12-03. Review status: criteria provided, single submitter. Criteria: Invitae Variant Classification Sherloc (09022015). Collection method: clinical testing. Allele origin: germline.
Comment: This sequence change replaces alanine, which is neutral and non-polar, with valine, which is neutral and non-polar, at codon 709 of the ARHGEF18 protein (p.Ala709Val). This variant is present in population databases (rs150442510, gnomAD 0.03%). This variant has not been reported in the literature in individuals affected with ARHGEF18-related conditions. ClinVar contains an entry for this variant (Variation ID: 968000). An algorithm developed to predict the effect of missense changes on protein structure and function outputs the following: PolyPhen-2: "Benign". The valine amino acid residue is found in multiple mammalian species, which suggests that this missense change does not adversely affect protein function. In summary, the available evidence is currently insufficient to determine the role of this variant in disease. Therefore, it has been classified as a Variant of Uncertain Significance.

Blueprint Genetics
Classification: Likely benign. Last evaluated: 2024-10-29. Review status: criteria provided, single submitter. Criteria: ACMG Guidelines, 2015. Collection method: clinical testing. Allele origin: germline.

Ambry Genetics
Classification: Likely benign for Inborn genetic diseases. Last evaluated: 2021-08-09. Review status: criteria provided, single submitter. Criteria: Ambry Variant Classification Scheme 2023. Collection method: clinical testing. Allele origin: germline.

Breakthrough Genomics
Classification: Uncertain significance. Review status: criteria provided, single submitter. Criteria: ACMG Guidelines, 2015. Collection method: not provided. Allele origin: germline. Inheritance: Autosomal recessive inheritance. Affected: yes.

Dr. Peter K. Rogan Lab, Western University
No classification provided (evidence only). Condition: Thymoma. Review status: no classification provided. Collection method: in vitro. Allele origin: not applicable. Functional consequence: retained intron. Not counted in ClinVar's aggregate classification.

NM_001367823.1(ARHGEF18):c.2690C>T (p.Ala897Val)

Gene: ARHGEF18 (Rho/Rac guanine nucleotide exchange factor 18; plus strand). Cytogenetic location: 19p13.2.
Variant type: single nucleotide variant.
Coding change: c.2690C>T on transcript NM_001367823.1 (MANE Select); coding-DNA position 2690, C replaced by T.
Protein change: p.Ala897Val; replaces alanine 897 with valine.
Molecular consequence: missense variant.
Genome position (GRCh38, 1-based): chr19:7,463,872, C>T. VCF-style: chr19-7463872-C-T. GRCh37 (hg19) VCF-style: chr19-7528758-C-T.
Other names: c.1964C>T, p.Ala655Val (NM_001130955.2); c.1652C>T, p.Ala551Val (NM_001367824.1, NM_015318.4); short protein forms A551V, A897V, A655V.
Identifiers: ClinVar variation 968000 (VCV000968000.10), dbSNP rs150442510, ClinGen allele CA9136945.